The following is an entry in ClinVar:

NM_004230.4(S1PR2):c.844C>T (p.Leu282=)

Gene: S1PR2 (sphingosine-1-phosphate receptor 2; minus strand). Cytogenetic location: 19p13.2.
Variant type: single nucleotide variant.
Coding change: c.844C>T on transcript NM_004230.4 (MANE Select); coding-DNA position 844, C replaced by T.
Protein change: p.Leu282=; no amino-acid change (leucine 282 retained).
Molecular consequence: synonymous variant.
Genome position (GRCh38, 1-based): chr19:10,224,062, G>A on the plus strand (C>T on the coding strand, the complement: S1PR2 is on the minus strand). VCF-style: chr19-10224062-G-A. GRCh37 (hg19) VCF-style: chr19-10334738-G-A.
Identifiers: ClinVar variation 681377 (VCV000681377.4), dbSNP rs186708543, ClinGen allele CA9189007.

ClinVar aggregate classification (germline): Benign/Likely benign. Review status: criteria provided, multiple submitters, no conflicts (2 of 4 stars). 2 submissions from 2 submitters: Benign (1); Likely benign (1). Last evaluated 2022-11-11.

Allele frequency attached by ClinVar (database versions not stated): gnomAD exomes 0.00002 and 0.00014; gnomAD 0.00004 and 0.00005; TOPMed 0.00009; ExAC 0.00015; 1000 Genomes Project 0.00020; 1000 Genomes Project 30x 0.00047.

Submissions (2):

Labcorp Genetics (formerly Invitae), Labcorp
Classification: Benign. Last evaluated: 2022-11-11. Review status: criteria provided, single submitter. Criteria: Invitae Variant Classification Sherloc (09022015). Collection method: clinical testing. Allele origin: germline.

GeneDx
Classification: Likely benign. Last evaluated: 2018-04-09. Review status: criteria provided, single submitter. Criteria: GeneDx Variant Classification (06012015). Collection method: clinical testing. Allele origin: germline. Affected: yes.
Comment: This variant is considered likely benign or benign based on one or more of the following criteria: it is a conservative change, it occurs at a poorly conserved position in the protein, it is predicted to be benign by multiple in silico algorithms, and/or has population frequency not consistent with disease.